The following is an entry in ClinVar:

ClinVar aggregate classification (germline): Likely benign (0 of 4 stars; one submission).

Conditions:
LINC-PINT-related disorder. Also called: LINC-PINT-related condition.

Allele frequency attached by ClinVar (database versions not stated): gnomAD 0.00085; 1000 Genomes Project 0.00200; 1000 Genomes Project 30x 0.00203.

Submission:

PreventionGenetics, part of Exact Sciences
Classification: Likely benign for LINC-PINT-related condition. Last evaluated: 2023-02-26. Review status: no assertion criteria provided. Collection method: clinical testing. Allele origin: germline.
Comment: This variant is classified as likely benign based on ACMG/AMP sequence variant interpretation guidelines (Richards et al. 2015 PMID: 25741868, with internal and published modifications).

NR_109851.1(LINC-PINT):n.920T>G

Gene: LINC-PINT (long intergenic non-protein coding RNA, p53 induced transcript; minus strand). Cytogenetic location: 7q32.3.
Variant type: single nucleotide variant.
Molecular consequence: non-coding transcript variant (on NR_015431.2).
Genome position: GRCh38 VCF-style: chr7-131108064-A-C. GRCh37 (hg19) VCF-style: chr7-130792823-A-C.
Identifiers: ClinVar variation 3052262 (VCV003052262.2), dbSNP rs558233368, ClinGen allele CA167099555.